The following is an entry in ClinVar:

ClinVar aggregate classification (germline): Pathogenic. Review status: criteria provided, single submitter (1 of 4 stars). 2 submissions from 2 submitters: Pathogenic (1). 1 of the submissions does not count toward it. Last evaluated 2024-03-27.

Conditions:
Osteogenesis imperfecta (OI). Identifiers: Orphanet 666, MedGen C0029434, MeSH D010013, MONDO:0019019.
Osteogenesis imperfecta type 8 (OI8). Identifiers: MedGen C1970458, MONDO:0012581, OMIM 610915.

Allele frequency attached by ClinVar (database versions not stated): gnomAD exomes below 0.00001; TOPMed below 0.00001.
gnomAD v4.1: 1 of 1,577,984 alleles (0.000063%); highest among the groups gnomAD compares: Non-Finnish European, 0.000086%; no homozygotes.

Submissions (2):

Women's Health and Genetics/Laboratory Corporation of America, LabCorp
Classification: Pathogenic for Osteogenesis imperfecta. Last evaluated: 2024-03-27. Review status: criteria provided, single submitter. Criteria: LabCorp Variant Classification Summary - May 2015. Collection method: clinical testing. Allele origin: germline.
Comment: Variant summary: P3H1 c.232C>T (p.Gln78X) results in a premature termination codon, predicted to cause a truncation of the encoded protein or absence of the protein due to nonsense mediated decay, which are commonly known mechanisms for disease. The frequency data for this variant in gnomAD is considered unreliable, as metrics indicate poor data quality at this position. To our knowledge, no occurrence of c.232C>T in individuals affected with Osteogenesis Imperfecta and no experimental evidence demonstrating its impact on protein function have been reported. ClinVar contains an entry for this variant (Variation ID: 635408). Based on the evidence outlined above, the variant was classified as pathogenic.

Institute of Human Genetics, Cologne University
Classification: Likely pathogenic for Osteogenesis imperfecta type 8. Review status: no assertion criteria provided. Collection method: clinical testing. Allele origin: germline. Inheritance: Autosomal recessive inheritance. Affected: yes. Not counted in ClinVar's aggregate classification.

NM_022356.4(P3H1):c.232C>T (p.Gln78Ter)

Genes: P3H1 (prolyl 3-hydroxylase 1; minus strand), LOC129930352 (ATAC-STARR-seq lymphoblastoid silent region 767; plus strand). Cytogenetic location: 1p34.2.
Variant type: single nucleotide variant.
Coding change: c.232C>T on transcript NM_022356.4 (MANE Select); coding-DNA position 232, C replaced by T.
Protein change: p.Gln78Ter; replaces glutamine 78 with a stop codon.
Molecular consequence: nonsense.
Genome position (GRCh38, 1-based): chr1:42,766,740, G>A on the plus strand (C>T on the coding strand, the complement: P3H1 is on the minus strand). VCF-style: chr1-42766740-G-A. GRCh37 (hg19) VCF-style: chr1-43232411-G-A.
Other names: LEPRE1; c.232C>T, p.Gln78Ter (NM_001146289.2, NM_001243246.2); short protein forms Q78*.
Identifiers: ClinVar variation 635408 (VCV000635408.4), dbSNP rs1330779100, ClinGen allele CA339963868.